The following is an entry in ClinVar:

ClinVar aggregate classification (germline): Uncertain significance (1 of 4 stars; one submission).

Conditions:
PRPH2-related disorder. Also called: PRPH2-related condition; PRPH2-related disorders. Identifiers: MedGen CN239395.

Submission:

Labcorp Genetics (formerly Invitae), Labcorp
Classification: Uncertain significance for PRPH2-related disorder. Last evaluated: 2021-10-22. Review status: criteria provided, single submitter. Criteria: Invitae Variant Classification Sherloc (09022015). Collection method: clinical testing. Allele origin: germline.
Comment: In summary, the available evidence is currently insufficient to determine the role of this variant in disease. Therefore, it has been classified as a Variant of Uncertain Significance. Advanced modeling of protein sequence and biophysical properties (such as structural, functional, and spatial information, amino acid conservation, physicochemical variation, residue mobility, and thermodynamic stability) performed at Invitae indicates that this missense variant is not expected to disrupt PRPH2 protein function. This variant has not been reported in the literature in individuals affected with PRPH2-related conditions. This variant is not present in population databases (ExAC no frequency). This sequence change replaces lysine with asparagine at codon 325 of the PRPH2 protein (p.Lys325Asn). The lysine residue is moderately conserved and there is a moderate physicochemical difference between lysine and asparagine.

NM_000322.5(PRPH2):c.975G>C (p.Lys325Asn)

Gene: PRPH2 (peripherin 2; minus strand). Cytogenetic location: 6p21.1.
Variant type: single nucleotide variant.
Coding change: c.975G>C on transcript NM_000322.5 (MANE Select); coding-DNA position 975, G replaced by C.
Protein change: p.Lys325Asn; replaces lysine 325 with asparagine.
Molecular consequence: missense variant.
Genome position (GRCh38, 1-based): chr6:42,698,361, C>G on the plus strand (G>C on the coding strand, the complement: PRPH2 is on the minus strand). VCF-style: chr6-42698361-C-G. GRCh37 (hg19) VCF-style: chr6-42666099-C-G.
Other names: short protein forms K325N.
Identifiers: ClinVar variation 1384227 (VCV001384227.6), dbSNP rs756613766, ClinGen allele CA364132829.